The following is an entry in ClinVar:

ClinVar aggregate classification (germline): Uncertain significance (1 of 4 stars; one submission).

Allele frequency attached by ClinVar (database versions not stated): gnomAD exomes below 0.00001; gnomAD 0.00001.
gnomAD v4.1: 3 of 1,614,080 alleles (0.00019%); highest among the groups gnomAD compares: Non-Finnish European, 0.00017%; no homozygotes.

Submission:

Labcorp Genetics (formerly Invitae), Labcorp
Classification: Uncertain significance. Last evaluated: 2021-12-25. Review status: criteria provided, single submitter. Criteria: Invitae Variant Classification Sherloc (09022015). Collection method: clinical testing. Allele origin: germline.
Comment: This sequence change replaces glutamic acid, which is acidic and polar, with lysine, which is basic and polar, at codon 444 of the TRMT5 protein (p.Glu444Lys). The frequency data for this variant in the population databases is considered unreliable, as metrics indicate poor data quality at this position in the gnomAD database. This variant has not been reported in the literature in individuals affected with TRMT5-related conditions. Algorithms developed to predict the effect of missense changes on protein structure and function output the following: SIFT: "Deleterious"; PolyPhen-2: "Benign"; Align-GVGD: "Class C0". The lysine amino acid residue is found in multiple mammalian species, which suggests that this missense change does not adversely affect protein function. In summary, the available evidence is currently insufficient to determine the role of this variant in disease. Therefore, it has been classified as a Variant of Uncertain Significance.

NM_020810.3(TRMT5):c.1330G>A (p.Glu444Lys)

Gene: TRMT5 (tRNA methyltransferase 5; minus strand). Cytogenetic location: 14q23.1.
Variant type: single nucleotide variant.
Coding change: c.1330G>A on transcript NM_020810.3 (MANE Select); coding-DNA position 1330, G replaced by A.
Protein change: p.Glu444Lys; replaces glutamic acid 444 with lysine.
Molecular consequence: missense variant.
Genome position (GRCh38, 1-based): chr14:60,975,589, C>T on the plus strand (G>A on the coding strand, the complement: TRMT5 is on the minus strand). VCF-style: chr14-60975589-C-T. GRCh37 (hg19) VCF-style: chr14-61442307-C-T.
Other names: c.1414G>A, p.Glu472Lys (NM_001350253.1); c.1411G>A, p.Glu471Lys (NM_001350254.1); short protein forms E471K, E472K, E444K.
Identifiers: ClinVar variation 1950655 (VCV001950655.5), dbSNP rs1325766488, ClinGen allele CA389918914.
Genomic context (GRCh38, chr14:60,975,589, plus strand): 5'-TGCACAGCATTTCCTTGTTTGGGGCCACATTTCTTACCAGGTGAACTGAACTGCATGCCT[C>T]CAGAGAAATGCCTAACACAGCTCCAGCCCTTTGCCGAACATCCTCAGCAGGGTTAGCATC-3'
Protein context (NP_065861.3, residues 434-454): RAGAVLGISL[Glu444Lys]ACSSVHLVRN